The following is an entry in ClinVar:

ClinVar aggregate classification (germline): Uncertain significance. Review status: criteria provided, multiple submitters, no conflicts (2 of 4 stars). 2 submissions from 2 submitters: Uncertain significance (2). Last evaluated 2025-10-18.

Allele frequency attached by ClinVar (database versions not stated): ExAC 0.00001.
gnomAD v4.1: 34 of 1,612,434 alleles (0.0021%); highest among the groups gnomAD compares: Non-Finnish European, 0.0027%; no homozygotes.

Submissions (2):

Ambry Genetics
Classification: Uncertain significance. Last evaluated: 2025-10-18. Review status: criteria provided, single submitter. Criteria: Ambry Variant Classification Scheme 2023. Collection method: clinical testing. Allele origin: germline.

Labcorp Genetics (formerly Invitae), Labcorp
Classification: Uncertain significance. Last evaluated: 2024-01-03. Review status: criteria provided, single submitter. Criteria: Invitae Variant Classification Sherloc (09022015). Collection method: clinical testing. Allele origin: germline.
Comment: This sequence change replaces aspartic acid, which is acidic and polar, with alanine, which is neutral and non-polar, at codon 399 of the LSR protein (p.Asp399Ala). This variant is present in population databases (rs546898807, gnomAD 0.003%). This variant has not been reported in the literature in individuals affected with LSR-related conditions. ClinVar contains an entry for this variant (Variation ID: 2161770). An algorithm developed to predict the effect of missense changes on protein structure and function (PolyPhen-2) suggests that this variant is likely to be disruptive. In summary, the available evidence is currently insufficient to determine the role of this variant in disease. Therefore, it has been classified as a Variant of Uncertain Significance.

NM_205834.4(LSR):c.1052A>C (p.Asp351Ala)

Gene: LSR (lipolysis stimulated lipoprotein receptor; plus strand). Cytogenetic location: 19q13.12.
Variant type: single nucleotide variant.
Coding change: c.1052A>C on transcript NM_205834.4 (MANE Select); coding-DNA position 1052, A replaced by C.
Protein change: p.Asp351Ala; replaces aspartic acid 351 with alanine.
Molecular consequence: missense variant.
Genome position (GRCh38, 1-based): chr19:35,266,875, A>C. VCF-style: chr19-35266875-A-C. GRCh37 (hg19) VCF-style: chr19-35757778-A-C.
Other names: c.992A>C, p.Asp331Ala (NM_001260489.2); c.728A>C, p.Asp243Ala (NM_001260490.2); c.845A>C, p.Asp282Ala (NM_001385215.1); c.995A>C, p.Asp332Ala (NM_015925.7); c.848A>C, p.Asp283Ala (NM_205835.4); c.1196A>C (NM_205834.2); short protein forms D331A, D243A, D282A, D283A, D332A, D351A.
Identifiers: ClinVar variation 2161770 (VCV002161770.5), dbSNP rs546898807, ClinGen allele CA9374959.